The following is an entry in ClinVar:

ClinVar aggregate classification (germline): Uncertain significance (1 of 4 stars; one submission).

Allele frequency attached by ClinVar (database versions not stated): gnomAD exomes below 0.00001.

Submission:

Labcorp Genetics (formerly Invitae), Labcorp
Classification: Uncertain significance. Last evaluated: 2022-10-24. Review status: criteria provided, single submitter. Criteria: Invitae Variant Classification Sherloc (09022015). Collection method: clinical testing. Allele origin: germline.
Comment: This variant has not been reported in the literature in individuals affected with COL4A1-related conditions. In summary, the available evidence is currently insufficient to determine the role of this variant in disease. Therefore, it has been classified as a Variant of Uncertain Significance. Algorithms developed to predict the effect of missense changes on protein structure and function are either unavailable or do not agree on the potential impact of this missense change (SIFT: "Tolerated"; PolyPhen-2: "Not Available"; Align-GVGD: "Class C0"). This variant is not present in population databases (gnomAD no frequency). This sequence change replaces isoleucine, which is neutral and non-polar, with valine, which is neutral and non-polar, at codon 1455 of the COL4A1 protein (p.Ile1455Val).

NM_001845.6(COL4A1):c.4363A>G (p.Ile1455Val)

Gene: COL4A1 (collagen type IV alpha 1 chain; minus strand). Cytogenetic location: 13q34.
Variant type: single nucleotide variant.
Coding change: c.4363A>G on transcript NM_001845.6 (MANE Select); coding-DNA position 4363, A replaced by G.
Protein change: p.Ile1455Val; replaces isoleucine 1455 with valine.
Molecular consequence: missense variant.
Genome position (GRCh38, 1-based): chr13:110,162,329, T>C on the plus strand (A>G on the coding strand, the complement: COL4A1 is on the minus strand). VCF-style: chr13-110162329-T-C. GRCh37 (hg19) VCF-style: chr13-110814676-T-C.
Other names: short protein forms I1455V.
Identifiers: ClinVar variation 2807337 (VCV002807337.3), dbSNP rs1877124450, ClinGen allele CA388658125.